The following is an entry in ClinVar:

ClinVar aggregate classification (germline): Uncertain significance (1 of 4 stars; one submission).

Conditions:
Neuroblastoma, susceptibility to, 3. Also called: ALK-Related Neuroblastic Tumor Susceptibility. Identifiers: Orphanet 635, MedGen C2751681, MONDO:0013083, OMIM 613014.

Submission:

Labcorp Genetics (formerly Invitae), Labcorp
Classification: Uncertain significance for Neuroblastoma, susceptibility to, 3. Last evaluated: 2025-07-21. Review status: criteria provided, single submitter. Criteria: Invitae Variant Classification Sherloc (09022015). Collection method: clinical testing. Allele origin: germline.
Comment: This sequence change replaces proline, which is neutral and non-polar, with arginine, which is basic and polar, at codon 1438 of the ALK protein (p.Pro1438Arg). This variant is not present in population databases (gnomAD no frequency). This variant has not been reported in the literature in individuals affected with ALK-related conditions. An algorithm developed to predict the effect of missense changes on protein structure and function (PolyPhen-2) suggests that this variant is likely to be tolerated. In summary, the available evidence is currently insufficient to determine the role of this variant in disease. Therefore, it has been classified as a Variant of Uncertain Significance.

NM_004304.5(ALK):c.4313C>G (p.Pro1438Arg)

Gene: ALK (ALK receptor tyrosine kinase; minus strand). Cytogenetic location: 2p23.2.
Variant type: single nucleotide variant.
Coding change: c.4313C>G on transcript NM_004304.5 (MANE Select); coding-DNA position 4313, C replaced by G.
Protein change: p.Pro1438Arg; replaces proline 1438 with arginine.
Molecular consequence: missense variant.
Genome position (GRCh38, 1-based): chr2:29,193,774, G>C on the plus strand (C>G on the coding strand, the complement: ALK is on the minus strand). VCF-style: chr2-29193774-G-C. GRCh37 (hg19) VCF-style: chr2-29416640-G-C.
Other names: c.1109C>G, p.Pro370Arg (NM_001353765.2); short protein forms P1438R, P370R.
Identifiers: ClinVar variation 4723586 (VCV004723586.1).